The following is an entry in ClinVar:

NM_000138.5(FBN1):c.2269G>C (p.Asp757His)

Gene: FBN1 (fibrillin 1; minus strand). Cytogenetic location: 15q21.1.
Variant type: single nucleotide variant.
Coding change: c.2269G>C on transcript NM_000138.5 (MANE Select); coding-DNA position 2269, G replaced by C.
Protein change: p.Asp757His; replaces aspartic acid 757 with histidine.
Molecular consequence: missense variant.
Genome position (GRCh38, 1-based): chr15:48,497,290, C>G on the plus strand (G>C on the coding strand, the complement: FBN1 is on the minus strand). VCF-style: chr15-48497290-C-G. GRCh37 (hg19) VCF-style: chr15-48789487-C-G.
Other names: short protein forms D757H.
Identifiers: ClinVar variation 926387 (VCV000926387.3), dbSNP rs2043616147, ClinGen allele CA392335630.

ClinVar aggregate classification (germline): Uncertain significance. Review status: criteria provided, multiple submitters, no conflicts (2 of 4 stars). 2 submissions from 2 submitters: Uncertain significance (2). Last evaluated 2025-11-14.

Conditions:
Familial thoracic aortic aneurysm and aortic dissection (TAAD). Also called: Thoracic aortic aneurysms and dissections. Identifiers: Orphanet 91387, MedGen C4707243, MONDO:0019625.

Allele frequency attached by ClinVar (database versions not stated): gnomAD exomes below 0.00001; gnomAD 0.00001.
gnomAD v4.1: 2 of 1,613,906 alleles (0.00012%); highest among the groups gnomAD compares: East Asian, 0.0045%; no homozygotes.

Submissions (2):

Women's Health and Genetics/Laboratory Corporation of America, LabCorp
Classification: Uncertain significance. Last evaluated: 2025-11-14. Review status: criteria provided, single submitter. Criteria: LabCorp Variant Classification Summary - May 2015. Collection method: clinical testing. Allele origin: germline.
Comment: Variant summary: FBN1 c.2269G>C (p.Asp757His) results in a non-conservative amino acid change in the encoded protein sequence. Algorithms developed to predict the effect of missense changes on protein structure and function all suggest that this variant is likely to be disruptive. The variant was absent in 251442 control chromosomes. The available data on variant occurrences in the general population are insufficient to allow any conclusion about variant significance. c.2269G>C has been observed in individual(s) affected with Aortopathy and related conditions (Zhang_2016, Yang_2023). These report(s) do not provide unequivocal conclusions about association of the variant with Aortopathy . To our knowledge, no experimental evidence demonstrating an impact on protein function has been reported. The following publications have been ascertained in the context of this evaluation (PMID: 35727495, 36517271, 27229674). ClinVar contains an entry for this variant (Variation ID: 926387). Based on the evidence outlined above, the variant was classified as uncertain significance.

Color Diagnostics, LLC DBA Color Health
Classification: Uncertain significance for Familial thoracic aortic aneurysm and aortic dissection. Last evaluated: 2018-11-14. Review status: criteria provided, single submitter. Criteria: ACMG Guidelines, 2015. Collection method: clinical testing. Allele origin: germline.

Literature cited by the submitters: PubMed 36517271 (cited by Women's Health and Genetics/Laboratory Corporation of America, LabCorp); PubMed 35727495 (cited by Women's Health and Genetics/Laboratory Corporation of America, LabCorp); PubMed 27229674 (cited by Women's Health and Genetics/Laboratory Corporation of America, LabCorp).